The following is an entry in ClinVar:

NM_002528.7(NTHL1):c.67G>C (p.Gly23Arg)

Gene: NTHL1 (nth like DNA glycosylase 1; minus strand). Cytogenetic location: 16p13.3.
Variant type: single nucleotide variant.
Coding change: c.67G>C on transcript NM_002528.7 (MANE Select); coding-DNA position 67, G replaced by C.
Protein change: p.Gly23Arg; replaces glycine 23 with arginine.
Molecular consequence: missense variant. On other transcripts: 5 prime UTR variant (1).
Genome position (GRCh38, 1-based): chr16:2,047,757, C>G on the plus strand (G>C on the coding strand, the complement: NTHL1 is on the minus strand). VCF-style: chr16-2047757-C-G. GRCh37 (hg19) VCF-style: chr16-2097758-C-G.
Other names: c.67G>C, p.Gly23Arg (NM_001318193.2); c.-112G>C (NM_001318194.2); short protein forms G23R.
Identifiers: ClinVar variation 3881353 (VCV003881353.1).
Genomic context (GRCh38, chr16:2,047,757, plus strand): 5'-GCGCGGCGCTACCTGCTGCAGCCTCTCTTCTCCGGAGAGGCCCGGGCTCCTCCCTACACC[C>G]CCGCGGCCCAGCCCCGGGTCCCAGGCTCCGGCTCCGGGTCAGCATCCTCGCGCTCAAGGC-3'
Protein context (NP_002519.2, residues 13-33): RSLGPGAGPR[Gly23Arg]CREEPGPLRR

ClinVar aggregate classification (germline): Uncertain significance (1 of 4 stars; one submission).

Conditions:
Hereditary cancer-predisposing syndrome. Also called: Tumor predisposition; Neoplastic Syndromes, Hereditary; Hereditary Cancer Syndrome; Hereditary neoplastic syndrome. Identifiers: Orphanet 140162, MedGen C0027672, MeSH D009386, MONDO:0015356.

Submission:

Ambry Genetics
Classification: Uncertain significance for Hereditary cancer-predisposing syndrome. Last evaluated: 2024-12-20. Review status: criteria provided, single submitter. Criteria: Ambry Variant Classification Scheme 2023. Collection method: clinical testing. Allele origin: germline.
Comment: The p.G31R variant (also known as c.91G>C), located in coding exon 1 of the NTHL1 gene, results from a G to C substitution at nucleotide position 91. The glycine at codon 31 is replaced by arginine, an amino acid with dissimilar properties. This amino acid position is conserved. In addition, this alteration is predicted to be tolerated by in silico analysis. Based on the available evidence, the clinical significance of this variant remains unclear.